The following is an entry in ClinVar:

NM_006904.7(PRKDC):c.5011G>A (p.Val1671Ile)

Gene: PRKDC (protein kinase, DNA-activated, catalytic subunit; minus strand). Cytogenetic location: 8q11.21.
Variant type: single nucleotide variant.
Coding change: c.5011G>A on transcript NM_006904.7 (MANE Select); coding-DNA position 5011, G replaced by A.
Protein change: p.Val1671Ile; replaces valine 1671 with isoleucine.
Molecular consequence: missense variant.
Genome position (GRCh38, 1-based): chr8:47,881,472, C>T on the plus strand (G>A on the coding strand, the complement: PRKDC is on the minus strand). VCF-style: chr8-47881472-C-T. GRCh37 (hg19) VCF-style: chr8-48794033-C-T.
Other names: c.5011G>A, p.Val1671Ile (NM_001081640.2); short protein forms V1671I.
Identifiers: ClinVar variation 1021515 (VCV001021515.6), dbSNP rs781129481, ClinGen allele CA371139942.

ClinVar aggregate classification (germline): Uncertain significance (1 of 4 stars; one submission).

Conditions:
Severe combined immunodeficiency due to DNA-PKcs deficiency. Also called: IMMUNODEFICIENCY 26 WITH NEUROLOGIC ABNORMALITIES; Immunodeficiency 26 with or without neurologic abnormalities. Identifiers: Orphanet 317425, MedGen C4014833, MONDO:0014423, OMIM 615966.

Submission:

Labcorp Genetics (formerly Invitae), Labcorp
Classification: Uncertain significance for Severe combined immunodeficiency due to DNA-PKcs deficiency. Last evaluated: 2022-01-13. Review status: criteria provided, single submitter. Criteria: Invitae Variant Classification Sherloc (09022015). Collection method: clinical testing. Allele origin: germline.
Comment: This sequence change replaces valine, which is neutral and non-polar, with isoleucine, which is neutral and non-polar, at codon 1671 of the PRKDC protein (p.Val1671Ile). This variant is not present in population databases (gnomAD no frequency). This variant has not been reported in the literature in individuals affected with PRKDC-related conditions. ClinVar contains an entry for this variant (Variation ID: 1021515). Experimental studies and prediction algorithms are not available or were not evaluated, and the functional significance of this variant is currently unknown. In summary, the available evidence is currently insufficient to determine the role of this variant in disease. Therefore, it has been classified as a Variant of Uncertain Significance.